The following is an entry in ClinVar:

NM_177438.3(DICER1):c.3452_3453del (p.Val1151fs)

Gene: DICER1 (dicer 1, ribonuclease III; minus strand). Cytogenetic location: 14q32.13.
Variant type: Microsatellite.
Coding change: c.3452_3453del on transcript NM_177438.3 (MANE Select); coding-DNA positions 3452 to 3453, 2 bases deleted (TG; older notation c.3452_3453delTG).
Protein change: p.Val1151fs; shifts the reading frame from valine 1151.
Molecular consequence: frameshift variant.
Genome position (GRCh38, 1-based): chr14:95,103,943-95,103,944, CA deleted on the plus strand (TG on the coding strand, the reverse complement: DICER1 is on the minus strand); deleting any 2 consecutive bases within chr14:95,103,943-95,103,946 gives the same sequence; the c. name uses the placement nearest the transcript's 3' end. VCF-style (leftmost placement, unchanged base first): chr14-95103942-TCA-T. GRCh37 (hg19) VCF-style: chr14-95570279-TCA-T.
Other names: c.3452_3453delTG (NM_177438.2); c.3452_3453del, p.Val1151fs (NM_001195573.1, NM_001271282.3, NM_001291628.2 and 1 more transcripts); c.3452_3453del (NM_177438.2); short protein forms V1151fs.
Identifiers: ClinVar variation 485534 (VCV000485534.13), dbSNP rs1555369632, ClinGen allele CA658656461.

ClinVar aggregate classification (germline): Pathogenic/Likely pathogenic. Review status: criteria provided, multiple submitters, no conflicts (2 of 4 stars). 4 submissions from 4 submitters: Pathogenic (3); Likely pathogenic (1). Last evaluated 2025-01-24.

Conditions:
DICER1-related tumor predisposition. Also called: DICER1-related pleuropulmonary blastoma cancer predisposition syndrome; DICER1 syndrome. Identifiers: Orphanet 284343, MedGen C3839822, MONDO:0100216.
Hereditary cancer-predisposing syndrome. Also called: Hereditary neoplastic syndrome; Neoplastic Syndromes, Hereditary; Tumor predisposition; Hereditary Cancer Syndrome. Identifiers: Orphanet 140162, MedGen C0027672, MeSH D009386, MONDO:0015356.

Submissions (4):

Department of Clinical Genetics, Copenhagen University Hospital, Rigshospitalet
Classification: Pathogenic for DICER1-related tumor predisposition. Last evaluated: 2025-01-24. Review status: criteria provided, single submitter. Criteria: ACMG Guidelines, 2015. Collection method: clinical testing. Allele origin: germline.
Comment: The following ACMG criteria have been used in classification: PM2_SUP; PVS1; PS4_SUP

GeneDx
Classification: Likely pathogenic. Last evaluated: 2024-02-29. Review status: criteria provided, single submitter. Criteria: GeneDx Variant Classification Process June 2021. Collection method: clinical testing. Allele origin: germline. Affected: yes.
Comment: Frameshift variant predicted to result in protein truncation or nonsense mediated decay in a gene for which loss of function is a known mechanism of disease; Not observed at significant frequency in large population cohorts (gnomAD); Observed in a patient with multinodular thyroid goiter as well as kidney and pulmonary cysts (PMID: 34552563); This variant is associated with the following publications: (PMID: 28177962, 34552563)

Foulkes Cancer Genetics LDI, Lady Davis Institute for Medical Research
Classification: Pathogenic for Pleuropulmonary blastoma. Last evaluated: 2019-07-01. Review status: criteria provided, single submitter. Criteria: ACMG Guidelines, 2015. Collection method: curation. Allele origin: unknown. Affected: yes. Observed: 1 variant allele.
Comment: ACMG criteria met: PVS1, PM2, PP4

Ambry Genetics
Classification: Pathogenic for Hereditary cancer-predisposing syndrome. Last evaluated: 2017-05-19. Review status: criteria provided, single submitter. Criteria: Ambry Variant Classification Scheme 2023. Collection method: clinical testing. Allele origin: germline.
Comment: The c.3452_3453delTG pathogenic mutation, located in coding exon 20 of the DICER1 gene, results from a deletion of two nucleotides at nucleotide positions 3452 to 3453, causing a translational frameshift with a predicted alternate stop codon (p.V1151Efs*12). This alteration is expected to result in loss of function by premature protein truncation or nonsense-mediated mRNA decay. As such, this alteration is interpreted as a disease-causing mutation.

Literature cited by the submitters: PubMed 34552563 (cited by Department of Clinical Genetics, Copenhagen University Hospital, Rigshospitalet); PubMed 28177962 (cited by Foulkes Cancer Genetics LDI, Lady Davis Institute for Medical Research).